The following is an entry in ClinVar:

NM_015215.4(CAMTA1):c.174T>G (p.Leu58=)

Gene: CAMTA1 (calmodulin binding transcription activator 1; plus strand). Cytogenetic location: 1p36.31.
Variant type: single nucleotide variant.
Coding change: c.174T>G on transcript NM_015215.4 (MANE Select); coding-DNA position 174, T replaced by G.
Protein change: p.Leu58=; no amino-acid change (leucine 58 retained).
Molecular consequence: synonymous variant. On other transcripts: non-coding transcript variant (4).
Genome position (GRCh38, 1-based): chr1:6,825,150, T>G. VCF-style: chr1-6825150-T-G. GRCh37 (hg19) VCF-style: chr1-6885210-T-G.
Other names: c.174T>G, p.Leu58= (NM_001195563.2, NM_001242701.2, NM_001349609.2 and 3 more transcripts); c.84T>G, p.Leu28= (NM_001349608.2, NM_001349612.2); c.210T>G, p.Leu70= (NM_001349627.2).
Identifiers: ClinVar variation 3040088 (VCV003040088.2), dbSNP rs763307751, ClinGen allele CA566061.

ClinVar aggregate classification (germline): Likely benign (0 of 4 stars; one submission).

Conditions:
CAMTA1-related disorder. Also called: CAMTA1-related condition.

Allele frequency attached by ClinVar (database versions not stated): gnomAD exomes 0.00002; ExAC 0.00004; gnomAD 0.00006; TOPMed 0.00006.
gnomAD v4.1: 42 of 1,611,980 alleles (0.0026%); highest among the groups gnomAD compares: East Asian, 0.085%; no homozygotes.

Submission:

PreventionGenetics, part of Exact Sciences
Classification: Likely benign for CAMTA1-related condition. Last evaluated: 2019-09-13. Review status: no assertion criteria provided. Collection method: clinical testing. Allele origin: germline.
Comment: This variant is classified as likely benign based on ACMG/AMP sequence variant interpretation guidelines (Richards et al. 2015 PMID: 25741868, with internal and published modifications).